The following is an entry in ClinVar:

NM_006158.5(NEFL):c.882C>G (p.Asn294Lys)

Gene: NEFL (neurofilament light chain; minus strand). Cytogenetic location: 8p21.2.
Variant type: single nucleotide variant.
Coding change: c.882C>G on transcript NM_006158.5 (MANE Select); coding-DNA position 882, C replaced by G.
Protein change: p.Asn294Lys; replaces asparagine 294 with lysine.
Molecular consequence: missense variant.
Genome position (GRCh38, 1-based): chr8:24,955,634, G>C on the plus strand (C>G on the coding strand, the complement: NEFL is on the minus strand). VCF-style: chr8-24955634-G-C. GRCh37 (hg19) VCF-style: chr8-24813148-G-C.
Other names: short protein forms N294K.
Identifiers: ClinVar variation 994654 (VCV000994654.7), dbSNP rs946938553, ClinGen allele CA174060656.

ClinVar aggregate classification (germline): Uncertain significance. Review status: criteria provided, multiple submitters, no conflicts (2 of 4 stars). 3 submissions from 3 submitters: Uncertain significance (3). Last evaluated 2022-04-24.

Conditions:
Inborn genetic diseases. Identifiers: MedGen C0950123, MeSH D030342.
Charcot-Marie-Tooth disease type 2E (CMT2E). Also called: CHARCOT-MARIE-TOOTH DISEASE, AXONAL, TYPE 2E; CHARCOT-MARIE-TOOTH NEUROPATHY, TYPE 2E. Identifiers: Orphanet 99939, MedGen C1843225, MONDO:0011894, OMIM 607684.

Allele frequency attached by ClinVar (database versions not stated): gnomAD exomes below 0.00001; TOPMed below 0.00001.
gnomAD v4.1: 6 of 1,613,878 alleles (0.00037%); highest among the groups gnomAD compares: Non-Finnish European, 0.00051%; no homozygotes.

Submissions (3):

Labcorp Genetics (formerly Invitae), Labcorp
Classification: Uncertain significance for Charcot-Marie-Tooth disease type 2E. Last evaluated: 2022-04-24. Review status: criteria provided, single submitter. Criteria: Invitae Variant Classification Sherloc (09022015). Collection method: clinical testing. Allele origin: germline.
Comment: In summary, the available evidence is currently insufficient to determine the role of this variant in disease. Therefore, it has been classified as a Variant of Uncertain Significance. Experimental studies and prediction algorithms are not available or were not evaluated, and the functional significance of this variant is currently unknown. ClinVar contains an entry for this variant (Variation ID: 994654). This variant has not been reported in the literature in individuals affected with NEFL-related conditions. This variant is not present in population databases (gnomAD no frequency). This sequence change replaces asparagine, which is neutral and polar, with lysine, which is basic and polar, at codon 294 of the NEFL protein (p.Asn294Lys).

Athena Diagnostics
Classification: Uncertain significance. Last evaluated: 2020-03-23. Review status: criteria provided, single submitter. Criteria: Athena Diagnostics Criteria. Collection method: clinical testing. Allele origin: unknown.

Ambry Genetics
Classification: Uncertain significance for Inborn genetic diseases. Last evaluated: 2019-12-05. Review status: criteria provided, single submitter. Criteria: Ambry Variant Classification Scheme 2023. Collection method: clinical testing. Allele origin: germline.
Comment: The p.N294K variant (also known as c.882C>G), located in coding exon 1 of the NEFL gene, results from a C to G substitution at nucleotide position 882. The asparagine at codon 294 is replaced by lysine, an amino acid with similar properties. This amino acid position is well conserved in available vertebrate species. In addition, the in silico prediction for this alteration is inconclusive. Since supporting evidence is limited at this time, the clinical significance of this alteration remains unclear.